The following is an entry in ClinVar:

ClinVar aggregate classification (germline): Likely pathogenic (1 of 4 stars; one submission).

Conditions:
Mega-corpus-callosum syndrome with cerebellar hypoplasia and cortical malformations. Identifiers: MedGen C4748927, MONDO:0032648, OMIM 618273.

Submission:

Gansu Provincial Maternity and Child Care Hospital
Classification: Likely pathogenic for Mega-corpus-callosum syndrome with cerebellar hypoplasia and cortical malformations. Last evaluated: 2026-06-02. Review status: criteria provided, single submitter. Criteria: ACMG Guidelines, 2015. Collection method: clinical testing. Allele origin: de novo. Inheritance: Autosomal dominant inheritance. Affected: yes.
Comment: Parental verification confirmed it as a de novo variant (PS2). This site is not recorded in the gnomAD database (PM2_supporting).This variant is an in-frame indeletion，and does not result in premature translation termination(PM4).This variant is classified as Likely pathogenic.

NM_014975.3(MAST1):c.3530_3538del (p.Pro1177_Thr1179del)

Gene: MAST1 (microtubule associated serine/threonine kinase 1; plus strand). Cytogenetic location: 19p13.13.
Variant type: Deletion.
Coding change: c.3530_3538del on transcript NM_014975.3 (MANE Select); coding-DNA positions 3530 to 3538, 9 bases deleted (CCAGCACGC; older notation c.3530_3538delCCAGCACGC).
Protein change: p.Pro1177_Thr1179del.
Molecular consequence: inframe deletion.
Genome position (GRCh38, 1-based): chr19:12,873,687-12,873,695, CCAGCACGC deleted; deleting any 9 consecutive bases within chr19:12,873,685-12,873,695 gives the same sequence; the c. name uses the placement nearest the transcript's 3' end. VCF-style (leftmost placement, unchanged base first): chr19-12873684-GGCCCAGCAC-G. GRCh37 (hg19) VCF-style: chr19-12984498-GGCCCAGCAC-G.
Identifiers: ClinVar variation 4880246 (VCV004880246.1).